The following is an entry in ClinVar:

NM_000709.4(BCKDHA):c.1225T>C (p.Phe409Leu)

Gene: BCKDHA (branched chain keto acid dehydrogenase E1 subunit alpha; plus strand). Cytogenetic location: 19q13.2.
Variant type: single nucleotide variant.
Coding change: c.1225T>C on transcript NM_000709.4 (MANE Select); coding-DNA position 1225, T replaced by C.
Protein change: p.Phe409Leu; replaces phenylalanine 409 with leucine.
Molecular consequence: missense variant.
Genome position (GRCh38, 1-based): chr19:41,424,495, T>C. VCF-style: chr19-41424495-T-C. GRCh37 (hg19) VCF-style: chr19-41930400-T-C.
Other names: c.1222T>C, p.Phe408Leu (NM_001164783.2); short protein forms F408L, F409L.
Identifiers: ClinVar variation 4687751 (VCV004687751.1).

ClinVar aggregate classification (germline): Uncertain significance (1 of 4 stars; one submission).

Submission:

Women's Health and Genetics/Laboratory Corporation of America, LabCorp
Classification: Uncertain significance. Last evaluated: 2025-10-27. Review status: criteria provided, single submitter. Criteria: LabCorp Variant Classification Summary - May 2015. Collection method: clinical testing. Allele origin: germline.
Comment: Variant summary: BCKDHA c.1225T>C (p.Phe409Leu) results in a non-conservative amino acid change in the encoded protein sequence. Algorithms developed to predict the effect of missense changes on protein structure and function all suggest that this variant is likely to be disruptive. The variant was absent in 249270 control chromosomes. The available data on variant occurrences in the general population are insufficient to allow any conclusion about variant significance. To our knowledge, no occurrence of c.1225T>C in individuals affected with BCKDHA-related conditions and no experimental evidence demonstrating its impact on protein function have been reported. A different variant affecting the same codon has been classified as likely pathogenic by our lab (c.1226T>G, p.Phe409Cys), supporting the critical relevance of codon 409 to BCKDHA protein function. No submitters have cited clinical-significance assessments for this variant to ClinVar. Based on the evidence outlined above, the variant was classified as uncertain significance.